The following is an entry in ClinVar:

NM_000179.3(MSH6):c.837C>A (p.Ser279Arg)

Gene: MSH6 (mutS homolog 6; plus strand). Cytogenetic location: 2p16.3.
Variant type: single nucleotide variant.
Coding change: c.837C>A on transcript NM_000179.3 (MANE Select); coding-DNA position 837, C replaced by A.
Protein change: p.Ser279Arg; replaces serine 279 with arginine.
Molecular consequence: missense variant. On other transcripts: 5 prime UTR variant (2).
Genome position (GRCh38, 1-based): chr2:47,798,820, C>A. VCF-style: chr2-47798820-C-A. GRCh37 (hg19) VCF-style: chr2-48025959-C-A.
Other names: c.447C>A, p.Ser149Arg (NM_001281492.2); c.-70C>A (NM_001281493.2, NM_001281494.2); short protein forms S279R, S149R.
Identifiers: ClinVar variation 565377 (VCV000565377.10), dbSNP rs1558659436, ClinGen allele CA346740494.

ClinVar aggregate classification (germline): Uncertain significance. Review status: criteria provided, multiple submitters, no conflicts (2 of 4 stars). 2 submissions from 2 submitters: Uncertain significance (2). Last evaluated 2025-10-14.

Conditions:
Hereditary nonpolyposis colorectal neoplasms. Identifiers: MedGen C0009405, MeSH D003123.
Hereditary cancer-predisposing syndrome. Also called: Hereditary neoplastic syndrome; Neoplastic Syndromes, Hereditary; Tumor predisposition; Hereditary Cancer Syndrome. Identifiers: Orphanet 140162, MedGen C0027672, MeSH D009386, MONDO:0015356.

Submissions (2):

Ambry Genetics
Classification: Uncertain significance for Hereditary cancer-predisposing syndrome. Last evaluated: 2025-10-14. Review status: criteria provided, single submitter. Criteria: Ambry Variant Classification Scheme 2023. Collection method: clinical testing. Allele origin: germline.
Comment: The p.S279R variant (also known as c.837C>A), located in coding exon 4 of the MSH6 gene, results from a C to A substitution at nucleotide position 837. The serine at codon 279 is replaced by arginine, an amino acid with dissimilar properties. This amino acid position is conserved. In addition, this alteration is predicted to be deleterious by in silico analysis. Based on the available evidence, the clinical significance of this variant remains unclear.

Labcorp Genetics (formerly Invitae), Labcorp
Classification: Uncertain significance for Hereditary nonpolyposis colorectal neoplasms. Last evaluated: 2020-01-11. Review status: criteria provided, single submitter. Criteria: Invitae Variant Classification Sherloc (09022015). Collection method: clinical testing. Allele origin: germline.
Comment: In summary, the available evidence is currently insufficient to determine the role of this variant in disease. Therefore, it has been classified as a Variant of Uncertain Significance. Algorithms developed to predict the effect of missense changes on protein structure and function (SIFT, PolyPhen-2, Align-GVGD) all suggest that this variant is likely to be disruptive, but these predictions have not been confirmed by published functional studies and their clinical significance is uncertain. This variant has not been reported in the literature in individuals with MSH6-related disease. This variant is not present in population databases (ExAC no frequency). This sequence change replaces serine with arginine at codon 279 of the MSH6 protein (p.Ser279Arg). The serine residue is highly conserved and there is a moderate physicochemical difference between serine and arginine.